The following is an entry in ClinVar:

ClinVar aggregate classification (germline): Uncertain significance. Review status: criteria provided, multiple submitters, no conflicts (2 of 4 stars). 2 submissions from 2 submitters: Uncertain significance (2). Last evaluated 2023-12-02.

Conditions:
Pancreatic adenocarcinoma. Identifiers: MedGen C0281361, MONDO:0006047, HP:0006725.

Submissions (2):

Ambry Genetics
Classification: Uncertain significance. Last evaluated: 2023-12-02. Review status: criteria provided, single submitter. Criteria: Ambry Variant Classification Scheme 2023. Collection method: clinical testing. Allele origin: germline.
Comment: The p.K958E variant (also known as c.2872A>G), located in coding exon 16 of the PALLD gene, results from an A to G substitution at nucleotide position 2872. The lysine at codon 958 is replaced by glutamic acid, an amino acid with similar properties. This amino acid position is conserved. In addition, the in silico prediction for this alteration is inconclusive. Since supporting evidence is limited at this time, the clinical significance of this alteration remains unclear.

Labcorp Genetics (formerly Invitae), Labcorp
Classification: Uncertain significance for Pancreatic adenocarcinoma. Last evaluated: 2021-03-19. Review status: criteria provided, single submitter. Criteria: Invitae Variant Classification Sherloc (09022015). Collection method: clinical testing. Allele origin: germline.
Comment: This sequence change replaces lysine with glutamic acid at codon 471 of the PALLD protein (p.Lys471Glu). The lysine residue is highly conserved and there is a small physicochemical difference between lysine and glutamic acid. This variant is not present in population databases (ExAC no frequency). This variant has not been reported in the literature in individuals with PALLD-related conditions. Algorithms developed to predict the effect of missense changes on protein structure and function (SIFT, PolyPhen-2, Align-GVGD) all suggest that this variant is likely to be disruptive, but these predictions have not been confirmed by published functional studies and their clinical significance is uncertain. In summary, the available evidence is currently insufficient to determine the role of this variant in disease. Therefore, it has been classified as a Variant of Uncertain Significance.

NM_001166108.2(PALLD):c.2923A>G (p.Lys975Glu)

Genes: CBR4 (carbonyl reductase 4; minus strand), PALLD (palladin, cytoskeletal associated protein; plus strand). Cytogenetic location: 4q32.3.
Variant type: single nucleotide variant.
Coding change: c.2923A>G on transcript NM_001166108.2 (MANE Select); coding-DNA position 2923, A replaced by G.
Protein change: p.Lys975Glu; replaces lysine 975 with glutamic acid.
Molecular consequence: missense variant.
Genome position (GRCh38, 1-based): chr4:168,921,606, A>G. VCF-style: chr4-168921606-A-G. GRCh37 (hg19) VCF-style: chr4-169842757-A-G.
Other names: c.1726A>G, p.Lys576Glu (NM_001166109.2); c.1411A>G, p.Lys471Glu (NM_001166110.2); c.751A>G, p.Lys251Glu (NM_001367567.1, NM_001367569.1); c.802A>G, p.Lys268Glu (NM_001367568.1, NM_001367570.1); c.2872A>G, p.Lys958Glu (NM_016081.4); short protein forms K268E, K471E, K958E, K251E, K975E, K576E.
Identifiers: ClinVar variation 1376590 (VCV001376590.10), dbSNP rs2126495446, ClinGen allele CA358708761.